The following is an entry in ClinVar:

NM_000528.4(MAN2B1):c.1803G>A (p.Trp601Ter)

Gene: MAN2B1 (mannosidase alpha class 2B member 1; minus strand). Cytogenetic location: 19p13.13.
Variant type: single nucleotide variant.
Coding change: c.1803G>A on transcript NM_000528.4 (MANE Select); coding-DNA position 1803, G replaced by A.
Protein change: p.Trp601Ter; replaces tryptophan 601 with a stop codon.
Molecular consequence: nonsense.
Genome position (GRCh38, 1-based): chr19:12,655,721, C>T on the plus strand (G>A on the coding strand, the complement: MAN2B1 is on the minus strand). VCF-style: chr19-12655721-C-T. GRCh37 (hg19) VCF-style: chr19-12766535-C-T.
Other names: c.1800G>A, p.Trp600Ter (NM_001173498.2); short protein forms W600*, W601*.
Identifiers: ClinVar variation 984119 (VCV000984119.4), dbSNP rs1224319934, ClinGen allele CA404244739.
Genomic context (GRCh38, chr19:12,655,721, plus strand): 5'-GGAGCAGGAAAGGGGATTGAAATGGGGTCTCACCTCATTTTCGATGGTTAAAGCAGGGGA[C>T]CAGGATCTTCTGGGGATGGGCTGTGGTGCGCGGGCCTGGGGCTTCCAGCGAGGCACCTGG-3'

ClinVar aggregate classification (germline): Likely pathogenic. Review status: criteria provided, multiple submitters, no conflicts (2 of 4 stars). 2 submissions from 2 submitters: Likely pathogenic (2). Last evaluated 2024-03-14.

Conditions:
Deficiency of alpha-mannosidase (MANSA). Also called: Mannosidosis, alpha-, types I and II; Alpha-Mannosidosis; LYSOSOMAL ALPHA-D-MANNOSIDASE DEFICIENCY. Identifiers: Orphanet 61, MedGen C0024748, MONDO:0009561, OMIM 248500.

gnomAD v4.1: 3 of 1,609,580 alleles (0.00019%); highest among the groups gnomAD compares: Non-Finnish European, 0.00025%; no homozygotes.

Submissions (2):

Fulgent Genetics
Classification: Likely pathogenic for Deficiency of alpha-mannosidase. Last evaluated: 2024-03-14. Review status: criteria provided, single submitter. Criteria: ACMG Guidelines, 2015. Collection method: clinical testing. Allele origin: germline.

Myriad Genetics, Inc.
Classification: Likely pathogenic for Deficiency of alpha-mannosidase. Last evaluated: 2019-12-21. Review status: criteria provided, single submitter. Criteria: Myriad Women's Health Autosomal Recessive and X-Linked Classification Criteria (2019). Collection method: clinical testing. Allele origin: unknown.
Comment: NM_000528.3(MAN2B1):c.1803G>A(W601*) is expected to be pathogenic in the context of alpha-mannosidosis. This variant is predicted to lead to an abnormal or absent protein product due to the creation of a premature termination codon in MAN2B1, a gene where loss-of-function variants are known to be pathogenic. Please note: this variant was assessed in the context of healthy population screening.